The following is an entry in ClinVar:

NM_001042492.3(NF1):c.525T>C (p.His175=)

Gene: NF1 (neurofibromin 1; plus strand). Cytogenetic location: 17q11.2.
Variant type: single nucleotide variant.
Coding change: c.525T>C on transcript NM_001042492.3 (MANE Select); coding-DNA position 525, T replaced by C.
Protein change: p.His175=; no amino-acid change (histidine 175 retained).
Molecular consequence: synonymous variant.
Genome position (GRCh38, 1-based): chr17:31,169,936, T>C. VCF-style: chr17-31169936-T-C. GRCh37 (hg19) VCF-style: chr17-29496954-T-C.
Other names: c.525T>C, p.His175= (NM_000267.4, NM_001128147.3).
Identifiers: ClinVar variation 215718 (VCV000215718.16), dbSNP rs750358089, ClinGen allele CA337510.

ClinVar aggregate classification (germline): Benign/Likely benign. Review status: criteria provided, multiple submitters, no conflicts (2 of 4 stars). 6 submissions from 6 submitters: Benign (1); Likely benign (5). Last evaluated 2026-05-14.

Conditions:
Hereditary cancer-predisposing syndrome. Also called: Neoplastic Syndromes, Hereditary; Tumor predisposition; Hereditary Cancer Syndrome; Hereditary neoplastic syndrome. Identifiers: Orphanet 140162, MedGen C0027672, MeSH D009386, MONDO:0015356.
Neurofibromatosis, type 1 (NF1). Also called: VON RECKLINGHAUSEN DISEASE; NEUROFIBROMATOSIS, TYPE I, SOMATIC; Peripheral type neurofibromatosis; Neurofibromatosis, type I. Identifiers: Orphanet 636, MedGen C0027831, MONDO:0018975, OMIM 162200. Disease mechanism: loss of function.

Allele frequency attached by ClinVar (database versions not stated): gnomAD exomes below 0.00001; ExAC 0.00001; gnomAD 0.00001.
gnomAD v4.1: 2 of 1,613,248 alleles (0.00012%); highest among the groups gnomAD compares: Admixed American, 0.0017%; no homozygotes.

Submissions (6):

Myriad Genetics, Inc.
Classification: Benign for Neurofibromatosis, type 1. Last evaluated: 2026-05-14. Review status: criteria provided, single submitter. Criteria: Myriad Autosomal Dominant, Autosomal Recessive and X-Linked Classification Criteria (2023). Collection method: clinical testing. Allele origin: unknown.
Comment: This variant is considered benign. This variant is a silent/synonymous amino acid change and it is not expected to impact splicing.

Labcorp Genetics (formerly Invitae), Labcorp
Classification: Likely benign for Neurofibromatosis, type 1. Last evaluated: 2026-01-17. Review status: criteria provided, single submitter. Criteria: Invitae Variant Classification Sherloc (09022015). Collection method: clinical testing. Allele origin: germline.

ARUP Laboratories, Molecular Genetics and Genomics, ARUP Laboratories
Classification: Likely benign. Last evaluated: 2025-05-29. Review status: criteria provided, single submitter. Criteria: ARUP Molecular Germline Variant Investigation Process 2024. Collection method: clinical testing. Allele origin: germline.

Blueprint Genetics
Classification: Likely benign. Last evaluated: 2024-09-05. Review status: criteria provided, single submitter. Criteria: ACMG Guidelines, 2015. Collection method: clinical testing. Allele origin: germline.

Genome-Nilou Lab
Classification: Likely benign for Neurofibromatosis, type 1. Last evaluated: 2022-03-15. Review status: criteria provided, single submitter. Criteria: ACMG Guidelines, 2015. Collection method: clinical testing. Allele origin: germline. Affected: no.

Ambry Genetics
Classification: Likely benign for Hereditary cancer-predisposing syndrome. Last evaluated: 2015-03-23. Review status: criteria provided, single submitter. Criteria: Ambry Autosomal Dominant and X-Linked criteria (10/2015). Collection method: clinical testing. Allele origin: germline. Observed: 1 variant allele.